The following is an entry in ClinVar:

NM_025179.4(PLXNA2):c.3839A>G (p.Asn1280Ser)

Gene: PLXNA2 (plexin A2; minus strand). Cytogenetic location: 1q32.2.
Variant type: single nucleotide variant.
Coding change: c.3839A>G on transcript NM_025179.4 (MANE Select); coding-DNA position 3839, A replaced by G.
Protein change: p.Asn1280Ser; replaces asparagine 1280 with serine.
Molecular consequence: missense variant.
Genome position (GRCh38, 1-based): chr1:208,044,543, T>C on the plus strand (A>G on the coding strand, the complement: PLXNA2 is on the minus strand). VCF-style: chr1-208044543-T-C. GRCh37 (hg19) VCF-style: chr1-208217888-T-C.
Other names: short protein forms N1280S.
Identifiers: ClinVar variation 3356694 (VCV003356694.1).

ClinVar aggregate classification (germline): Uncertain significance (0 of 4 stars; one submission).

Conditions:
PLXNA2-related disorder. Also called: PLXNA2-related condition.

gnomAD v4.1: 3 of 1,614,154 alleles (0.00019%); highest among the groups gnomAD compares: Non-Finnish European, 0.00025%; no homozygotes.

Submission:

PreventionGenetics, part of Exact Sciences
Classification: Uncertain significance for PLXNA2-related condition. Last evaluated: 2024-08-28. Review status: no assertion criteria provided. Collection method: clinical testing. Allele origin: germline.
Comment: The PLXNA2 c.3839A>G variant is predicted to result in the amino acid substitution p.Asn1280Ser. To our knowledge, this variant has not been reported in the literature or in a large population database, indicating this variant is rare. At this time, the clinical significance of this variant is uncertain due to the absence of conclusive functional and genetic evidence.